The following is an entry in ClinVar:

NM_002519.3(NPAT):c.661A>T (p.Thr221Ser)

Gene: NPAT (nuclear protein, coactivator of histone transcription; minus strand). Cytogenetic location: 11q22.3.
Variant type: single nucleotide variant.
Coding change: c.661A>T on transcript NM_002519.3 (MANE Select); coding-DNA position 661, A replaced by T.
Protein change: p.Thr221Ser; replaces threonine 221 with serine.
Molecular consequence: missense variant.
Genome position (GRCh38, 1-based): chr11:108,186,547, T>A on the plus strand (A>T on the coding strand, the complement: NPAT is on the minus strand). VCF-style: chr11-108186547-T-A. GRCh37 (hg19) VCF-style: chr11-108057274-T-A.
Other names: c.661A>T, p.Thr221Ser (NM_001321307.1); short protein forms T221S.
Identifiers: ClinVar variation 2496677 (VCV002496677.3), dbSNP rs769219700, ClinGen allele CA6264226.

ClinVar aggregate classification (germline): Uncertain significance. Review status: criteria provided, multiple submitters, no conflicts (2 of 4 stars). 2 submissions from 2 submitters: Uncertain significance (2). Last evaluated 2025-02-27.

Allele frequency attached by ClinVar (database versions not stated): gnomAD 0.00001.

Submissions (2):

Labcorp Genetics (formerly Invitae), Labcorp
Classification: Uncertain significance. Last evaluated: 2025-02-27. Review status: criteria provided, single submitter. Criteria: Invitae Variant Classification Sherloc (09022015). Collection method: clinical testing. Allele origin: germline.
Comment: This sequence change replaces threonine, which is neutral and polar, with serine, which is neutral and polar, at codon 221 of the NPAT protein (p.Thr221Ser). This variant is present in population databases (rs769219700, gnomAD 0.003%). This variant has not been reported in the literature in individuals affected with NPAT-related conditions. ClinVar contains an entry for this variant (Variation ID: 2496677). An algorithm developed to predict the effect of missense changes on protein structure and function (PolyPhen-2) suggests that this variant is likely to be tolerated. In summary, the available evidence is currently insufficient to determine the role of this variant in disease. Therefore, it has been classified as a Variant of Uncertain Significance.

Ambry Genetics
Classification: Uncertain significance. Last evaluated: 2022-11-16. Review status: criteria provided, single submitter. Criteria: Ambry Variant Classification Scheme 2023. Collection method: clinical testing. Allele origin: germline.
Comment: The p.T221S variant (also known as c.661A>T), located in coding exon 8 of the NPAT gene, results from an A to T substitution at nucleotide position 661. The threonine at codon 221 is replaced by serine, an amino acid with similar properties. This amino acid position is conserved. In addition, this alteration is predicted to be tolerated by in silico analysis. Since supporting evidence is limited at this time, the clinical significance of this alteration remains unclear.